The following is an entry in ClinVar:

NM_001478.5(B4GALNT1):c.1085C>T (p.Thr362Met)

Gene: B4GALNT1 (beta-1,4-N-acetyl-galactosaminyltransferase 1; minus strand). Cytogenetic location: 12q13.3.
Variant type: single nucleotide variant.
Coding change: c.1085C>T on transcript NM_001478.5 (MANE Select); coding-DNA position 1085, C replaced by T.
Protein change: p.Thr362Met; replaces threonine 362 with methionine.
Molecular consequence: missense variant.
Genome position (GRCh38, 1-based): chr12:57,628,180, G>A on the plus strand (C>T on the coding strand, the complement: B4GALNT1 is on the minus strand). VCF-style: chr12-57628180-G-A. GRCh37 (hg19) VCF-style: chr12-58021963-G-A.
Other names: c.920C>T, p.Thr307Met (NM_001276468.2, NM_001413978.1); c.1220C>T, p.Thr407Met (NM_001413967.1, NM_001413968.1, NM_001413969.1); c.1085C>T, p.Thr362Met (NM_001413970.1, NM_001413971.1, NM_001413972.1 and 2 more transcripts); c.986C>T, p.Thr329Met (NM_001413977.1); c.233C>T, p.Thr78Met (NM_001413981.1); c.98C>T, p.Thr33Met (NM_001413982.1, NM_001413983.1, NM_001413984.1); short protein forms T33M, T307M, T407M, T78M, T329M, T362M.
Identifiers: ClinVar variation 1990054 (VCV001990054.4), dbSNP rs202231637, ClinGen allele CA385495514.

ClinVar aggregate classification (germline): Uncertain significance (1 of 4 stars; one submission).

Conditions:
Spastic paraplegia. Identifiers: MedGen C0037772, HP:0001258.

Submission:

Labcorp Genetics (formerly Invitae), Labcorp
Classification: Uncertain significance for Spastic paraplegia. Last evaluated: 2022-03-15. Review status: criteria provided, single submitter. Criteria: Invitae Variant Classification Sherloc (09022015). Collection method: clinical testing. Allele origin: germline.
Comment: In summary, the available evidence is currently insufficient to determine the role of this variant in disease. Therefore, it has been classified as a Variant of Uncertain Significance. Algorithms developed to predict the effect of missense changes on protein structure and function are either unavailable or do not agree on the potential impact of this missense change (SIFT: "Deleterious"; PolyPhen-2: "Probably Damaging"; Align-GVGD: "Class C0"). This variant has not been reported in the literature in individuals affected with B4GALNT1-related conditions. This variant is not present in population databases (gnomAD no frequency). This sequence change replaces threonine, which is neutral and polar, with methionine, which is neutral and non-polar, at codon 362 of the B4GALNT1 protein (p.Thr362Met).